The following is an entry in ClinVar:

NM_004360.5(CDH1):c.617T>C (p.Ile206Thr)

Gene: CDH1 (cadherin 1; plus strand). Cytogenetic location: 16q22.1.
Variant type: single nucleotide variant.
Coding change: c.617T>C on transcript NM_004360.5 (MANE Select); coding-DNA position 617, T replaced by C.
Protein change: p.Ile206Thr; replaces isoleucine 206 with threonine.
Molecular consequence: missense variant. On other transcripts: 5 prime UTR variant (2).
Genome position (GRCh38, 1-based): chr16:68,808,778, T>C. VCF-style: chr16-68808778-T-C. GRCh37 (hg19) VCF-style: chr16-68842681-T-C.
Other names: c.617T>C, p.Ile206Thr (NM_001317184.2); c.-999T>C (NM_001317185.2); c.-1203T>C (NM_001317186.2); short protein forms I206T.
Identifiers: ClinVar variation 947301 (VCV000947301.18), dbSNP rs1254143781, ClinGen allele CA396458019.

ClinVar aggregate classification (germline): Conflicting classifications of pathogenicity. Review status: criteria provided, conflicting classifications (1 of 4 stars). 4 submissions from 4 submitters: Uncertain significance (3); Likely benign (1). Last evaluated 2026-06-17.

Conditions:
Hereditary diffuse gastric adenocarcinoma (HDGC). Also called: DIFFUSE GASTRIC AND LOBULAR BREAST CANCER SYNDROME. Identifiers: Orphanet 26106, MedGen C1708349, MONDO:0007648, OMIM 137215.
Hereditary cancer-predisposing syndrome. Also called: Neoplastic Syndromes, Hereditary; Hereditary Cancer Syndrome; Tumor predisposition; Hereditary neoplastic syndrome. Identifiers: Orphanet 140162, MedGen C0027672, MeSH D009386, MONDO:0015356.

Allele frequency attached by ClinVar (database versions not stated): gnomAD exomes below 0.00001.
gnomAD v4.1: 5 of 1,614,156 alleles (0.00031%); highest among the groups gnomAD compares: South Asian, 0.0055%; no homozygotes.

Submissions (4):

Ambry Genetics
Classification: Likely benign for Hereditary cancer-predisposing syndrome. Last evaluated: 2026-06-17. Review status: criteria provided, single submitter. Criteria: Ambry Variant Classification Scheme 2023. Collection method: clinical testing. Allele origin: germline.

Color Diagnostics, LLC DBA Color Health
Classification: Uncertain significance for Hereditary cancer-predisposing syndrome. Last evaluated: 2023-12-04. Review status: criteria provided, single submitter. Criteria: ACMG Guidelines, 2015. Collection method: clinical testing. Allele origin: germline.
Comment: This missense variant replaces isoleucine with threonine at codon 206 of the CDH1 protein. To our knowledge, functional studies have not been reported for this variant. This variant has not been reported in individuals affected with hereditary cancer in the literature. This variant has been identified in 1/251202 chromosomes in the general population by the Genome Aggregation Database (gnomAD). The available evidence is insufficient to determine the role of this variant in disease conclusively. Therefore, this variant is classified as a Variant of Uncertain Significance.

GeneDx
Classification: Uncertain significance. Last evaluated: 2019-08-07. Review status: criteria provided, single submitter. Criteria: GeneDx Variant Classification Process June 2021. Collection method: clinical testing. Allele origin: germline. Affected: yes.
Comment: Not observed at a significant frequency in large population cohorts (Lek 2016); In silico analysis, which includes protein predictors and evolutionary conservation, supports that this variant does not alter protein structure/function; Has not been previously published as pathogenic or benign to our knowledge

Labcorp Genetics (formerly Invitae), Labcorp
Classification: Uncertain significance for Hereditary diffuse gastric adenocarcinoma. Last evaluated: 2019-05-07. Review status: criteria provided, single submitter. Criteria: Invitae Variant Classification Sherloc (09022015). Collection method: clinical testing. Allele origin: germline.
Comment: This variant has not been reported in the literature in individuals with CDH1-related conditions. This variant is not present in population databases (ExAC no frequency). This sequence change replaces isoleucine with threonine at codon 206 of the CDH1 protein (p.Ile206Thr). The isoleucine residue is moderately conserved and there is a moderate physicochemical difference between isoleucine and threonine. Algorithms developed to predict the effect of missense changes on protein structure and function (SIFT, PolyPhen-2, Align-GVGD) all suggest that this variant is likely to be tolerated, but these predictions have not been confirmed by published functional studies and their clinical significance is uncertain. In summary, the available evidence is currently insufficient to determine the role of this variant in disease. Therefore, it has been classified as a Variant of Uncertain Significance.